The following is an entry in ClinVar:

ClinVar aggregate classification (germline): Uncertain significance (1 of 4 stars; one submission).

Allele frequency attached by ClinVar (database versions not stated): ExAC 0.00005; 1000 Genomes Project 0.00020; 1000 Genomes Project 30x 0.00031.
gnomAD v4.1: 28 of 1,566,968 alleles (0.0018%); highest among the groups gnomAD compares: East Asian, 0.046%; no homozygotes.

Submission:

Labcorp Genetics (formerly Invitae), Labcorp
Classification: Uncertain significance. Last evaluated: 2022-08-20. Review status: criteria provided, single submitter. Criteria: Invitae Variant Classification Sherloc (09022015). Collection method: clinical testing. Allele origin: germline.
Comment: In summary, the available evidence is currently insufficient to determine the role of this variant in disease. Therefore, it has been classified as a Variant of Uncertain Significance. Advanced modeling of protein sequence and biophysical properties (such as structural, functional, and spatial information, amino acid conservation, physicochemical variation, residue mobility, and thermodynamic stability) performed at Invitae indicates that this missense variant is expected to disrupt COQ8A protein function. This variant has not been reported in the literature in individuals affected with COQ8A-related conditions. The frequency data for this variant in the population databases is considered unreliable, as metrics indicate poor data quality at this position in the gnomAD database. This sequence change replaces glycine, which is neutral and non-polar, with arginine, which is basic and polar, at codon 227 of the COQ8A protein (p.Gly227Arg).

NM_020247.5(COQ8A):c.679G>A (p.Gly227Arg)

Gene: COQ8A (coenzyme Q8A; plus strand). Cytogenetic location: 1q42.13.
Variant type: single nucleotide variant.
Coding change: c.679G>A on transcript NM_020247.5 (MANE Select); coding-DNA position 679, G replaced by A.
Protein change: p.Gly227Arg; replaces glycine 227 with arginine.
Molecular consequence: missense variant.
Genome position (GRCh38, 1-based): chr1:226,977,472, G>A. VCF-style: chr1-226977472-G-A. GRCh37 (hg19) VCF-style: chr1-227165173-G-A.
Other names: short protein forms G227R.
Identifiers: ClinVar variation 1904320 (VCV001904320.3), dbSNP rs199694417, ClinGen allele CA1425101.